The following is an entry in ClinVar:

ClinVar aggregate classification (germline): Uncertain significance. Review status: criteria provided, multiple submitters, no conflicts (2 of 4 stars). 2 submissions from 2 submitters: Uncertain significance (2). Last evaluated 2025-05-18.

Allele frequency attached by ClinVar (database versions not stated): gnomAD exomes below 0.00001.
gnomAD v4.1: 3 of 1,550,386 alleles (0.00019%); highest among the groups gnomAD compares: Non-Finnish European, 0.00017%; no homozygotes.

Submissions (2):

Labcorp Genetics (formerly Invitae), Labcorp
Classification: Uncertain significance. Last evaluated: 2025-05-18. Review status: criteria provided, single submitter. Criteria: Invitae Variant Classification Sherloc (09022015). Collection method: clinical testing. Allele origin: germline.
Comment: This sequence change replaces aspartic acid, which is acidic and polar, with glycine, which is neutral and non-polar, at codon 1038 of the FAM65B protein (p.Asp1038Gly). This variant is not present in population databases (gnomAD no frequency). This variant has not been reported in the literature in individuals affected with FAM65B-related conditions. ClinVar contains an entry for this variant (Variation ID: 2536737). An algorithm developed to predict the effect of missense changes on protein structure and function (PolyPhen-2) suggests that this variant is likely to be tolerated. In summary, the available evidence is currently insufficient to determine the role of this variant in disease. Therefore, it has been classified as a Variant of Uncertain Significance.

Ambry Genetics
Classification: Uncertain significance. Last evaluated: 2023-04-13. Review status: criteria provided, single submitter. Criteria: Ambry Variant Classification Scheme 2023. Collection method: clinical testing. Allele origin: germline.

NM_001286445.3(RIPOR2):c.3050A>G (p.Asp1017Gly)

Gene: RIPOR2 (RHO family interacting cell polarization regulator 2; minus strand). Cytogenetic location: 6p22.3.
Variant type: single nucleotide variant.
Coding change: c.3050A>G on transcript NM_001286445.3 (MANE Select); coding-DNA position 3050, A replaced by G.
Protein change: p.Asp1017Gly; replaces aspartic acid 1017 with glycine.
Molecular consequence: missense variant.
Genome position (GRCh38, 1-based): chr6:24,806,467, T>C on the plus strand (A>G on the coding strand, the complement: RIPOR2 is on the minus strand). VCF-style: chr6-24806467-T-C. GRCh37 (hg19) VCF-style: chr6-24806695-T-C.
Other names: c.2963A>G, p.Asp988Gly (NM_001346031.2, NM_001346032.2); c.3113A>G, p.Asp1038Gly (NM_014722.5); short protein forms D988G, D1017G, D1038G.
Identifiers: ClinVar variation 2536737 (VCV002536737.3), dbSNP rs2532481251, ClinGen allele CA362982294.